The following is an entry in ClinVar:

NM_032383.5(HPS3):c.2287_2289delinsA (p.Phe763fs)

Gene: HPS3 (HPS3 biogenesis of lysosomal organelles complex 2 subunit 1; plus strand). Cytogenetic location: 3q24.
Variant type: Indel.
Coding change: c.2287_2289delinsA on transcript NM_032383.5 (MANE Select); coding-DNA positions 2287 to 2289, TTT replaced by A.
Protein change: p.Phe763fs; shifts the reading frame from phenylalanine 763.
Molecular consequence: frameshift variant.
Genome position (GRCh38, 1-based): chr3:149,162,328-149,162,330, TTT replaced by A. VCF-style: chr3-149162328-TTT-A. GRCh37 (hg19) VCF-style: chr3-148880115-TTT-A.
Other names: c.1792_1794delinsA, p.Phe598fs (NM_001308258.2); short protein forms F598fs, F763fs.
Identifiers: ClinVar variation 1724638 (VCV001724638.2), dbSNP rs2473120947, ClinGen allele CA2580068953.

ClinVar aggregate classification (germline): Likely pathogenic (1 of 4 stars; one submission).

Conditions:
Hermansky-Pudlak syndrome 3 (HPS3). Identifiers: Orphanet 231512, Orphanet 79430, MedGen C3888001, MONDO:0013555, OMIM 614072.

Submission:

Myriad Genetics, Inc.
Classification: Likely pathogenic for Hermansky-Pudlak syndrome 3. Last evaluated: 2022-02-24. Review status: criteria provided, single submitter. Criteria: Myriad Women's Health Autosomal Recessive and X-Linked Classification Criteria (2021). Collection method: clinical testing. Allele origin: unknown.
Comment: NM_032383.3(HPS3):c.2287_2289delTTTinsA(F763Kfs*6) is expected to be pathogenic in the context of Hermansky-Pudlak syndrome type 3. This variant is predicted to lead to an abnormal or absent protein product due to the creation of a premature termination codon in HPS3, a gene where loss-of-function variants are known to be pathogenic. Please note: this variant was assessed in the context of healthy population screening.